The following is an entry in ClinVar:

NM_003803.4(MYOM1):c.1022G>A (p.Gly341Glu)

Gene: MYOM1 (myomesin 1; minus strand). Cytogenetic location: 18p11.31.
Variant type: single nucleotide variant.
Coding change: c.1022G>A on transcript NM_003803.4 (MANE Select); coding-DNA position 1022, G replaced by A.
Protein change: p.Gly341Glu; replaces glycine 341 with glutamic acid.
Molecular consequence: missense variant.
Genome position (GRCh38, 1-based): chr18:3,176,042, C>T on the plus strand (G>A on the coding strand, the complement: MYOM1 is on the minus strand). VCF-style: chr18-3176042-C-T. GRCh37 (hg19) VCF-style: chr18-3176040-C-T.
Other names: c.1022G>A, p.Gly341Glu (NM_019856.2); short protein forms G341E.
Identifiers: ClinVar variation 3673138 (VCV003673138.3).

ClinVar aggregate classification (germline): Uncertain significance (1 of 4 stars; one submission).

Conditions:
Hypertrophic cardiomyopathy. Also called: HYPERTROPHIC MYOCARDIOPATHY. Identifiers: Orphanet 217569, MedGen C0007194, MeSH D002312, MONDO:0005045, HP:0001639.

gnomAD v4.1: 4 of 1,560,634 alleles (0.00026%); highest among the groups gnomAD compares: Non-Finnish European, 0.00035%; no homozygotes.

Submissions (2):

Labcorp Genetics (formerly Invitae), Labcorp
Classification: Uncertain significance for Hypertrophic cardiomyopathy. Last evaluated: 2024-09-17. Review status: criteria provided, single submitter. Criteria: Invitae Variant Classification Sherloc (09022015). Collection method: clinical testing. Allele origin: germline.
Comment: This sequence change replaces glycine, which is neutral and non-polar, with glutamic acid, which is acidic and polar, at codon 341 of the MYOM1 protein (p.Gly341Glu). This variant also falls at the last nucleotide of exon 6, which is part of the consensus splice site for this exon. This variant is not present in population databases (gnomAD no frequency). This variant has not been reported in the literature in individuals affected with MYOM1-related conditions. An algorithm developed to predict the effect of missense changes on protein structure and function outputs the following: PolyPhen-2: "Benign". The glutamic acid amino acid residue is found in multiple mammalian species, which suggests that this missense change does not adversely affect protein function. Variants that disrupt the consensus splice site are a relatively common cause of aberrant splicing (PMID: 17576681, 9536098). In summary, the available evidence is currently insufficient to determine the role of this variant in disease. Therefore, it has been classified as a Variant of Uncertain Significance.

Dr. Peter K. Rogan Lab, Western University
No classification provided (evidence only). Condition: Thyroid cancer, nonmedullary, 1. Review status: no classification provided. Collection method: in vitro. Allele origin: not applicable. Functional consequence: retained intron. Not counted in ClinVar's aggregate classification.

Literature cited by the submitters: PubMed 17576681 (cited by Labcorp Genetics (formerly Invitae), Labcorp); PubMed 9536098 (cited by Labcorp Genetics (formerly Invitae), Labcorp).